The following is an entry in ClinVar:

ClinVar aggregate classification (germline): Likely benign. Review status: criteria provided, multiple submitters, no conflicts (2 of 4 stars). 2 submissions from 2 submitters: Likely benign (2). Last evaluated 2023-05-01.

Allele frequency attached by ClinVar (database versions not stated): 1000 Genomes Project 30x 0.00125; 1000 Genomes Project 0.00140; gnomAD exomes 0.00286 and 0.00491; TOPMed 0.00307; gnomAD 0.00344 and 0.00359; ESP Exome Variant Server 0.00357; ExAC 0.00370.

Submissions (2):

CeGaT Center for Human Genetics Tuebingen
Classification: Likely benign. Last evaluated: 2023-05-01. Review status: criteria provided, single submitter. Criteria: CeGaT Center For Human Genetics Tuebingen Variant Classification Criteria Version 2. Collection method: clinical testing. Allele origin: germline. Affected: yes. Observed: 1 variant allele.
Comment: DISP3: BP4, BS2

Labcorp Genetics (formerly Invitae), Labcorp
Classification: Likely benign. Last evaluated: 2017-12-18. Review status: criteria provided, single submitter. Criteria: Invitae Variant Classification Sherloc (09022015). Collection method: clinical testing. Allele origin: germline.

NM_020780.2(DISP3):c.3649+4C>T

Gene: DISP3 (dispatched RND transporter family member 3; plus strand). Cytogenetic location: 1p36.22.
Variant type: single nucleotide variant.
Coding change: c.3649+4C>T on transcript NM_020780.2 (MANE Select); 4 bases into the intron after coding-DNA position 3649, C replaced by T.
Molecular consequence: intron variant.
Genome position (GRCh38, 1-based): chr1:11,535,128, C>T. VCF-style: chr1-11535128-C-T. GRCh37 (hg19) VCF-style: chr1-11595185-C-T.
Identifiers: ClinVar variation 782972 (VCV000782972.27), dbSNP rs41274538, ClinGen allele CA592475.